The following is an entry in ClinVar:

NM_018834.6(MATR3):c.1132G>A (p.Ala378Thr)

Gene: MATR3 (matrin 3; plus strand). Cytogenetic location: 5q31.2.
Variant type: single nucleotide variant.
Coding change: c.1132G>A on transcript NM_018834.6 (MANE Select); coding-DNA position 1132, G replaced by A.
Protein change: p.Ala378Thr; replaces alanine 378 with threonine.
Molecular consequence: missense variant.
Genome position (GRCh38, 1-based): chr5:139,317,055, G>A. VCF-style: chr5-139317055-G-A. GRCh37 (hg19) VCF-style: chr5-138652744-G-A.
Other names: c.1132G>A, p.Ala378Thr (NM_001194954.2, NM_001194955.2, NM_199189.3); c.268G>A, p.Ala90Thr (NM_001194956.2); c.118G>A, p.Ala40Thr (NM_001282278.2); short protein forms A90T, A378T, A40T.
Identifiers: ClinVar variation 651450 (VCV000651450.36), dbSNP rs201075828, ClinGen allele CA3433059.

ClinVar aggregate classification (germline): Conflicting classifications of pathogenicity. Review status: criteria provided, conflicting classifications (1 of 4 stars). 6 submissions from 6 submitters: Uncertain significance (3); Benign (2). 1 of the submissions does not count toward it. Last evaluated 2026-02-01.

Conditions:
MATR3-related disorder. Also called: MATR3-related condition.
Amyotrophic lateral sclerosis type 21. Also called: VOCAL CORD AND PHARYNGEAL DYSFUNCTION WITH DISTAL MYOPATHY; MYOPATHY, DISTAL, 2. Identifiers: Orphanet 600, Orphanet 803, MedGen C3807521, MONDO:0011632, OMIM 606070.

Allele frequency attached by ClinVar (database versions not stated): TOPMed 0.00020; ESP Exome Variant Server 0.00031; gnomAD 0.00017.
gnomAD v4.1: 410 of 1,613,910 alleles (0.025%); highest among the groups gnomAD compares: Non-Finnish European, 0.033%; no homozygotes.

Submissions (6):

Labcorp Genetics (formerly Invitae), Labcorp
Classification: Uncertain significance for Amyotrophic lateral sclerosis type 21. Last evaluated: 2026-02-01. Review status: criteria provided, single submitter. Criteria: Invitae Variant Classification Sherloc (09022015). Collection method: clinical testing. Allele origin: germline.
Comment: This sequence change replaces alanine, which is neutral and non-polar, with threonine, which is neutral and polar, at codon 378 of the MATR3 protein (p.Ala378Thr). This variant is present in population databases (rs201075828, gnomAD 0.03%), and has an allele count higher than expected for a pathogenic variant. This missense change has been observed in individual(s) with amyotrophic lateral sclerosis (PMID: 32028661). ClinVar contains an entry for this variant (Variation ID: 651450). An algorithm developed to predict the effect of missense changes on protein structure and function (PolyPhen-2) suggests that this variant is likely to be tolerated. In summary, the available evidence is currently insufficient to determine the role of this variant in disease. Therefore, it has been classified as a Variant of Uncertain Significance.

CeGaT Center for Human Genetics Tuebingen
Classification: Uncertain significance. Last evaluated: 2024-04-01. Review status: criteria provided, single submitter. Criteria: CeGaT Center For Human Genetics Tuebingen Variant Classification Criteria Version 2. Collection method: clinical testing. Allele origin: germline. Affected: yes. Observed: 2 variant alleles.

Revvity Omics, Revvity
Classification: Uncertain significance for Amyotrophic lateral sclerosis type 21. Last evaluated: 2021-06-04. Review status: criteria provided, single submitter. Criteria: ACMG Guidelines, 2015. Collection method: clinical testing. Allele origin: germline.

GeneDx
Classification: Benign. Last evaluated: 2020-01-30. Review status: criteria provided, single submitter. Criteria: GeneDx Variant Classification Process June 2021. Collection method: clinical testing. Allele origin: germline. Affected: yes.
Comment: In silico analysis, which includes protein predictors and evolutionary conservation, supports a deleterious effect; Has not been previously published as pathogenic or benign to our knowledge

Illumina Laboratory Services, Illumina
Classification: Benign for Amyotrophic lateral sclerosis type 21. Last evaluated: 2018-01-13. Review status: criteria provided, single submitter. Criteria: ICSL Variant Classification Criteria 13 December 2019. Collection method: clinical testing. Allele origin: germline.
Comment: This variant was observed in the ICSL laboratory as part of a predisposition screen in an ostensibly healthy population. It had not been previously curated by ICSL or reported in the Human Gene Mutation Database (HGMD: prior to June 1st, 2018), and was therefore a candidate for classification through an automated scoring system. Utilizing variant allele frequency, disease prevalence and penetrance estimates, and inheritance mode, an automated score was calculated to assess if this variant is too frequent to cause the disease. Based on the score and internal cut-off values, a variant classified as benign is not then subjected to further curation. The score for this variant resulted in a classification of benign for this disease.

PreventionGenetics, part of Exact Sciences
Classification: Likely benign for MATR3-related condition. Last evaluated: 2023-12-05. Review status: no assertion criteria provided. Collection method: clinical testing. Allele origin: germline. Not counted in ClinVar's aggregate classification.
Comment: This variant is classified as likely benign based on ACMG/AMP sequence variant interpretation guidelines (Richards et al. 2015 PMID: 25741868, with internal and published modifications).

Literature cited by the submitters: PubMed 32028661 (cited by Labcorp Genetics (formerly Invitae), Labcorp).